The following is an entry in ClinVar:

ClinVar aggregate classification (germline): Uncertain significance. Review status: criteria provided, multiple submitters, no conflicts (2 of 4 stars). 3 submissions from 3 submitters: Uncertain significance (3). Last evaluated 2025-08-12.

Conditions:
Inborn genetic diseases. Identifiers: MedGen C0950123, MeSH D030342.

Allele frequency attached by ClinVar (database versions not stated): gnomAD exomes below 0.00001; TOPMed 0.00001.
gnomAD v4.1: 6 of 1,601,410 alleles (0.00037%); highest among the groups gnomAD compares: Middle Eastern, 0.033%; no homozygotes.

Submissions (3):

Ambry Genetics
Classification: Uncertain significance for Inborn genetic diseases. Last evaluated: 2025-08-12. Review status: criteria provided, single submitter. Criteria: Ambry Variant Classification Scheme 2023. Collection method: clinical testing. Allele origin: germline.

GeneDx
Classification: Uncertain significance. Last evaluated: 2019-08-12. Review status: criteria provided, single submitter. Criteria: GeneDx Variant Classification Process June 2021. Collection method: clinical testing. Allele origin: germline. Affected: yes.
Comment: In silico analysis, which includes protein predictors and evolutionary conservation, supports a deleterious effect; Has not been previously published as pathogenic or benign to our knowledge

Breakthrough Genomics
Classification: Uncertain significance. Review status: criteria provided, single submitter. Criteria: ACMG Guidelines, 2015. Collection method: not provided. Allele origin: germline. Inheritance: Autosomal recessive inheritance. Affected: yes.

NM_005529.7(HSPG2):c.3809C>T (p.Pro1270Leu)

Gene: HSPG2 (heparan sulfate proteoglycan 2; minus strand). Cytogenetic location: 1p36.12.
Variant type: single nucleotide variant.
Coding change: c.3809C>T on transcript NM_005529.7 (MANE Select); coding-DNA position 3809, C replaced by T.
Protein change: p.Pro1270Leu; replaces proline 1270 with leucine.
Molecular consequence: missense variant.
Genome position (GRCh38, 1-based): chr1:21,873,076, G>A on the plus strand (C>T on the coding strand, the complement: HSPG2 is on the minus strand). VCF-style: chr1-21873076-G-A. GRCh37 (hg19) VCF-style: chr1-22199569-G-A.
Other names: c.3812C>T, p.Pro1271Leu (NM_001291860.2); short protein forms P1270L, P1271L.
Identifiers: ClinVar variation 1302626 (VCV001302626.4), dbSNP rs1486435285, ClinGen allele CA338959894.